The following is an entry in ClinVar:

ClinVar aggregate classification (germline): Uncertain significance (1 of 4 stars; one submission).

Submission:

GeneDx
Classification: Uncertain significance. Last evaluated: 2023-12-08. Review status: criteria provided, single submitter. Criteria: GeneDx Variant Classification Process June 2021. Collection method: clinical testing. Allele origin: germline. Affected: yes.
Comment: Frameshift variant predicted to result in abnormal protein length as the last 7 amino acids are replaced with 15 different amino acids in a gene for which loss-of-function is not a known mechanism of disease; Not observed at significant frequency in large population cohorts (gnomAD); Has not been previously published as pathogenic or benign to our knowledge

NM_005321.3(H1-4):c.636del (p.Lys213fs)

Gene: H1-4 (H1.4 linker histone, cluster member; plus strand). Cytogenetic location: 6p22.2.
Variant type: Deletion.
Coding change: c.636del on transcript NM_005321.3 (MANE Select); coding-DNA position 636, one base deleted (G; older notation c.636delG).
Protein change: p.Lys213fs; shifts the reading frame from lysine 213.
Molecular consequence: frameshift variant.
Genome position (GRCh38, 1-based): chr6:26,157,026, G deleted. VCF-style (leftmost placement, unchanged base first): chr6-26157025-AG-A. GRCh37 (hg19) VCF-style: chr6-26157253-AG-A.
Other names: short protein forms K213fs.
Identifiers: ClinVar variation 3252590 (VCV003252590.1), dbSNP rs2480696399.